The following is an entry in ClinVar:

NM_001199397.3(NEK1):c.1414C>T (p.Arg472Ter)

Gene: NEK1 (NIMA related kinase 1; minus strand). Cytogenetic location: 4q33.
Variant type: single nucleotide variant.
Coding change: c.1414C>T on transcript NM_001199397.3 (MANE Select); coding-DNA position 1414, C replaced by T.
Protein change: p.Arg472Ter; replaces arginine 472 with a stop codon.
Molecular consequence: nonsense. On other transcripts: non-coding transcript variant (1).
Genome position (GRCh38, 1-based): chr4:169,555,948, G>A on the plus strand (C>T on the coding strand, the complement: NEK1 is on the minus strand). VCF-style: chr4-169555948-G-A. GRCh37 (hg19) VCF-style: chr4-170477099-G-A.
Other names: c.1414C>T, p.Arg472Ter (NM_001199398.3, NM_001199400.3, NM_001374418.1 and 2 more transcripts); c.1339C>T, p.Arg447Ter (NM_001199399.3); c.1363C>T, p.Arg455Ter (NM_001374420.1); c.1288C>T, p.Arg430Ter (NM_001374421.1); short protein forms R430*, R447*, R455*, R472*.
Identifiers: ClinVar variation 3242535 (VCV003242535.3), dbSNP rs969452649.

ClinVar aggregate classification (germline): Likely pathogenic. Review status: criteria provided, single submitter (1 of 4 stars). 2 submissions from 2 submitters: Likely pathogenic (1). 1 of the submissions does not count toward it. Last evaluated 2024-06-24.

Conditions:
Amyotrophic lateral sclerosis, susceptibility to, 24. Identifiers: MedGen C4693523, MONDO:0054750, OMIM 617892.
Short-rib thoracic dysplasia 6 with or without polydactyly (SRTD6). Also called: POLYDACTYLY WITH NEONATAL CHONDRODYSTROPHY, TYPE II; Majewski Syndrome; SHORT RIB-POLYDACTYLY SYNDROME, TYPE IIA; SHORT-RIB THORACIC DYSPLASIA 6 WITH POLYDACTYLY; SHORT-RIB THORACIC DYSPLASIA 6 WITHOUT POLYDACTYLY. Identifiers: MedGen C0024507, MONDO:0009894, OMIM 263520.

Allele frequency attached by ClinVar (database versions not stated): gnomAD exomes below 0.00001.
gnomAD v4.1: 4 of 1,613,472 alleles (0.00025%); highest among the groups gnomAD compares: South Asian, 0.0033%; no homozygotes.

Submissions (2):

Concord Molecular Medicine Laboratory, Concord Repatriation General Hospital
Classification: Likely pathogenic for Amyotrophic lateral sclerosis, susceptibility to, 24. Last evaluated: 2024-06-24. Review status: criteria provided, single submitter. Criteria: ACMG Guidelines, 2015. Collection method: clinical testing. Allele origin: germline. Affected: yes.
Comment: Loss of function variants in NEK1 are reported to be enriched in patients with ALS. This variant leads to a premature stop codon at codon 472, and is predicted to lead to nonsene mediated decay. This variant is detected at a very low frequency in normal population database. Multiple loss of function variants distant to this variant have been described in ALS patients.

Medical Genetics Center, Maternal and Child Health Hospital of Hubei Province
Classification: Likely pathogenic for Short-rib thoracic dysplasia 6 with or without polydactyly. Last evaluated: 2026-05-14. Review status: no assertion criteria provided. Collection method: clinical testing. Allele origin: maternal. Affected: yes. Not counted in ClinVar's aggregate classification.
Comment: PVS1+PM2_Supporting